The following is an entry in ClinVar:

NM_000533.5(PLP1):c.412del (p.Val138fs)

Genes: PLP1 (proteolipid protein 1; plus strand), RAB9B (RAB9B, member RAS oncogene family; minus strand). Cytogenetic location: Xq22.2.
Variant type: Deletion.
Coding change: c.412del on transcript NM_000533.5 (MANE Select); coding-DNA position 412, one base deleted (G; older notation c.412delG).
Protein change: p.Val138fs; shifts the reading frame from valine 138.
Molecular consequence: frameshift variant. On other transcripts: intron variant (1).
Genome position (GRCh38, 1-based): chrX:103,786,685, G deleted; the last of 3 consecutive G bases (chrX:103,786,683-103,786,685); deleting any one gives the same sequence. VCF-style (leftmost placement, unchanged base first): chrX-103786682-CG-C. GRCh37 (hg19) VCF-style: chrX-103041611-CG-C.
Other names: c.412del, p.Val138fs (NM_001128834.3); c.247del, p.Val83fs (NM_001305004.1); c.348+64del (NM_199478.3); c.412delG (NM_000533.5); short protein forms V138fs, V83fs.
Identifiers: ClinVar variation 3255425 (VCV003255425.2), dbSNP rs2522308342.

ClinVar aggregate classification (germline): Likely pathogenic (1 of 4 stars; one submission).

Conditions:
Pelizaeus-Merzbacher disease. Also called: LEUKODYSTROPHY, HYPOMYELINATING, 1; Sudanophilic leukodystrophy; Pelizaeus-Merzbacher spectrum disorder; Pelizaeus-Merzbacher Disease (PMD); Pelizeaus-Merzbacher spectrum disorder. Identifiers: Orphanet 702, MedGen C0205711, MONDO:0010714, OMIM 312080, HP:0003269.

Submission:

Molecular Diagnostics Lab, Nemours Children's Health, Delaware
Classification: Likely pathogenic for Pelizaeus-Merzbacher disease. Last evaluated: 2021-11-24. Review status: criteria provided, single submitter. Criteria: ACMG Guidelines, 2015. Collection method: clinical testing. Allele origin: unknown. Inheritance: X-linked inheritance. Affected: yes. Observed: 1 hemizygote.
Comment: This variant (c.412delG, p.Val138Cysfs*9) results in a frameshift to a premature termination. It has not been observed in population databases (gnomAD), but it has been described in the literature (PMID 11093273). No functional studies have been published.

Literature cited by the submitters: PubMed 11093273.